The following is an entry in ClinVar:

NM_012330.4(KAT6B):c.4065GGA[4] (p.Glu1368del)

Gene: KAT6B (lysine acetyltransferase 6B; plus strand). Cytogenetic location: 10q22.2.
Variant type: Microsatellite.
Coding change: c.4065GGA[4] on transcript NM_012330.4 (MANE Select); four copies in a row of the 3-base unit GGA starting at c.4065; the reference has five copies in a row; one copy, 3 bases deleted.
Protein change: p.Glu1368del; deletes glutamic acid 1368.
Molecular consequence: inframe deletion.
Genome position (GRCh38, 1-based): chr10:75,028,901-75,028,903, GGA deleted; deleting any 3 consecutive bases within chr10:75,028,887-75,028,903 gives the same sequence; the position shown is the placement nearest the transcript's 3' end. VCF-style (leftmost placement, unchanged base first): chr10-75028886-AGAG-A. GRCh37 (hg19) VCF-style: chr10-76788644-AGAG-A.
Other names: c.3516GGA[4], p.Glu1185del (NM_001256468.2, NM_001370138.1); c.3189GGA[4], p.Glu1076del (NM_001256469.2, NM_001370139.1, NM_001370140.1 and 2 more transcripts); c.3027GGA[4], p.Glu1022del (NM_001370132.1); c.2376GGA[4], p.Glu805del (NM_001370133.1); c.1980GGA[4], p.Glu673del (NM_001370134.1); c.1722GGA[4], p.Glu587del (NM_001370135.1); c.4065GGA[4], p.Glu1368del (NM_001370136.1, NM_001370137.1); c.3000GGA[4], p.Glu1013del (NM_001370143.1, NM_001370144.1); and 1 more; short protein forms E1368del, E1185del, E673del, E1022del, E587del, E1013del, E1076del, E805del.
Identifiers: ClinVar variation 561618 (VCV000561618.23), dbSNP rs367634881, ClinGen allele CA5564953.

ClinVar aggregate classification (germline): Conflicting classifications of pathogenicity. Review status: criteria provided, conflicting classifications (1 of 4 stars). 6 submissions from 6 submitters: Uncertain significance (1); Benign (1); Likely benign (3). 1 of the submissions does not count toward it. Last evaluated 2026-01-04.

Conditions:
KAT6B-related disorder. Also called: KAT6B-related disorders; KAT6B-related condition.
Inborn genetic diseases. Identifiers: MedGen C0950123, MeSH D030342.
Genitopatellar syndrome (GTPTS). Also called: ABSENT PATELLAE, SCROTAL HYPOPLASIA, RENAL ANOMALIES, FACIAL DYSMORPHISM, AND MENTAL RETARDATION; Genitopatellar syndrome (GPS). Identifiers: Orphanet 85201, MedGen C1853566, MONDO:0011640, OMIM 606170.
Blepharophimosis - intellectual disability syndrome, SBBYS type (SBBYSS). Also called: Say-Barber-Biesecker-Young-Simpson variant of Ohdo Syndrome; Say-Barber-Biesecker Variant of Ohdo Syndrome; Young Simpson syndrome; Mental retardation unusual facies hypothyroidism; Ohdo syndrome, SBBYS variant; SBBYSS syndrome. Identifiers: Orphanet 3047, MedGen C1863557, MONDO:0011365, OMIM 603736.

Submissions (6):

Labcorp Genetics (formerly Invitae), Labcorp
Classification: Likely benign for Genitopatellar syndrome. Last evaluated: 2026-01-04. Review status: criteria provided, single submitter. Criteria: Invitae Variant Classification Sherloc (09022015). Collection method: clinical testing. Allele origin: germline.

Blueprint Genetics
Classification: Likely benign. Last evaluated: 2024-11-01. Review status: criteria provided, single submitter. Criteria: ACMG Guidelines, 2015. Collection method: clinical testing. Allele origin: germline.

Ambry Genetics
Classification: Likely benign for Inborn genetic diseases. Last evaluated: 2021-07-23. Review status: criteria provided, single submitter. Criteria: Ambry Variant Classification Scheme 2023. Collection method: clinical testing. Allele origin: germline.

GeneDx
Classification: Benign. Last evaluated: 2020-10-16. Review status: criteria provided, single submitter. Criteria: GeneDx Variant Classification Process June 2021. Collection method: clinical testing. Allele origin: germline. Affected: yes.

Center for Genomics, Ann and Robert H. Lurie Children's Hospital of Chicago
Classification: Uncertain significance for Blepharophimosis - intellectual disability syndrome, SBBYS type; Genitopatellar syndrome. Review status: criteria provided, single submitter. Criteria: ACMG Guidelines, 2015. Collection method: clinical testing. Allele origin: germline.
Comment: KAT6B NM_012330.3 exon 18 p.Glu1368del (c.4077_4079del): This variant has not been reported in the literature but is present in 3/30724 South Asian alleles in the Genome Aggregation Database. This variant is present in ClinVar (Variation ID:260242). Evolutionary conservation and computational predictive tools for this variant are limited or unavailable. Of note, this variant represents an in-frame deletion of 1 Glutamic acid (Glu) within a larger repeat region of several Glutamic acid residues and is not predicted to alter the reading frame. However, the effect of this variant on the protein is unclear. In summary, data on this variant is insufficient for disease classification. Therefore, the clinical significance of this variant is uncertain.

PreventionGenetics, part of Exact Sciences
Classification: Likely benign for KAT6B-related condition. Last evaluated: 2021-02-23. Review status: no assertion criteria provided. Collection method: clinical testing. Allele origin: germline. Not counted in ClinVar's aggregate classification.
Comment: This variant is classified as likely benign based on ACMG/AMP sequence variant interpretation guidelines (Richards et al. 2015 PMID: 25741868, with internal and published modifications).